The following is an entry in ClinVar:

NM_001256715.2(DNAAF3):c.989C>T (p.Thr330Ile)

Genes: DNAAF3 (dynein axonemal assembly factor 3; minus strand), DNAAF3-AS1 (DNAAF3 antisense RNA 1; plus strand), LOC130065090 (ATAC-STARR-seq lymphoblastoid silent region 11016; plus strand). Cytogenetic location: 19q13.42.
Variant type: single nucleotide variant.
Coding change: c.989C>T on transcript NM_001256715.2 (MANE Select); coding-DNA position 989, C replaced by T.
Protein change: p.Thr330Ile; replaces threonine 330 with isoleucine.
Molecular consequence: missense variant.
Genome position (GRCh38, 1-based): chr19:55,160,699, G>A on the plus strand (C>T on the coding strand, the complement: DNAAF3 is on the minus strand). VCF-style: chr19-55160699-G-A. GRCh37 (hg19) VCF-style: chr19-55672067-G-A.
Other names: c.827C>T, p.Thr276Ile (NM_001256716.2); c.1130C>T, p.Thr377Ile (NM_178837.4); c.1193C>T, p.Thr398Ile (NM_001256714.1); short protein forms T398I, T377I, T330I, T276I.
Identifiers: ClinVar variation 454612 (VCV000454612.14), dbSNP rs545243133, ClinGen allele CA9667987.
Genomic context (GRCh38, chr19:55,160,699, plus strand): 5'-CCTGGAGTCCCTGGCTCCGGGCTTCCCTCCGCGTGCTGCTGCTCCTCCAGGTCCCCCCCG[G>A]TGGCTCTCGCGCGCCCCCAGGCGGCCACGTCGCGGAGCAGCTCCGTCACGTTGTGTTGAG-3'
Protein context (NP_001243644.1, residues 320-340): DVAAWGRARA[Thr330Ile]GGDLEEQQHA

ClinVar aggregate classification (germline): Benign/Likely benign. Review status: criteria provided, multiple submitters, no conflicts (2 of 4 stars). 4 submissions from 4 submitters: Benign (2); Likely benign (1). 1 of the submissions does not count toward it. Last evaluated 2025-12-15.

Conditions:
DNAAF3-related disorder. Also called: DNAAF3-related condition.
Primary ciliary dyskinesia 2. Also called: CILIARY DYSKINESIA, PRIMARY, 2, WITH OR WITHOUT SITUS INVERSUS. Identifiers: Orphanet 244, MedGen C1847554, MONDO:0011718, OMIM 606763.
Primary ciliary dyskinesia. Also called: Ciliary dyskinesia. Identifiers: Orphanet 244, MedGen C0008780, MONDO:0016575, HP:0012265.

Allele frequency attached by ClinVar (database versions not stated): gnomAD exomes 0.00081 and 0.00040; ExAC 0.00093; 1000 Genomes Project 30x 0.00094; 1000 Genomes Project 0.00120; gnomAD 0.00019 and 0.00001; TOPMed 0.00002.
gnomAD v4.1: 616 of 1,613,660 alleles (0.038%); highest among the groups gnomAD compares: South Asian, 0.64%; 10 homozygotes.

Submissions (4):

Labcorp Genetics (formerly Invitae), Labcorp
Classification: Benign for Primary ciliary dyskinesia. Last evaluated: 2025-12-15. Review status: criteria provided, single submitter. Criteria: Invitae Variant Classification Sherloc (09022015). Collection method: clinical testing. Allele origin: germline.

Fulgent Genetics
Classification: Likely benign for Primary ciliary dyskinesia 2. Last evaluated: 2022-05-02. Review status: criteria provided, single submitter. Criteria: ACMG Guidelines, 2015. Collection method: clinical testing. Allele origin: unknown.

Ambry Genetics
Classification: Benign for Primary ciliary dyskinesia. Last evaluated: 2017-11-01. Review status: criteria provided, single submitter. Criteria: Ambry Variant Classification Scheme 2023. Collection method: clinical testing. Allele origin: germline.

PreventionGenetics, part of Exact Sciences
Classification: Likely benign for DNAAF3-related condition. Last evaluated: 2022-08-02. Review status: no assertion criteria provided. Collection method: clinical testing. Allele origin: germline. Not counted in ClinVar's aggregate classification.
Comment: This variant is classified as likely benign based on ACMG/AMP sequence variant interpretation guidelines (Richards et al. 2015 PMID: 25741868, with internal and published modifications).